The following is an entry in ClinVar:

NM_001079843.3(CASZ1):c.3153C>T (p.His1051=)

Gene: CASZ1 (castor zinc finger 1; minus strand). Cytogenetic location: 1p36.22.
Variant type: single nucleotide variant.
Coding change: c.3153C>T on transcript NM_001079843.3 (MANE Select); coding-DNA position 3153, C replaced by T.
Protein change: p.His1051=; no amino-acid change (histidine 1051 retained).
Molecular consequence: synonymous variant.
Genome position (GRCh38, 1-based): chr1:10,649,075, G>A on the plus strand (C>T on the coding strand, the complement: CASZ1 is on the minus strand). VCF-style: chr1-10649075-G-A. GRCh37 (hg19) VCF-style: chr1-10709132-G-A.
Other names: c.3153C>T, p.His1051= (NM_017766.5).
Identifiers: ClinVar variation 1672861 (VCV001672861.34), dbSNP rs140029522, ClinGen allele CA584597.

ClinVar aggregate classification (germline): Benign/Likely benign. Review status: criteria provided, multiple submitters, no conflicts (2 of 4 stars). 4 submissions from 4 submitters: Benign (2); Likely benign (2). Last evaluated 2025-06-11.

Allele frequency attached by ClinVar (database versions not stated): gnomAD exomes 0.00020 and 0.00051; ExAC 0.00063; gnomAD 0.00203 and 0.00220; TOPMed 0.00224; ESP Exome Variant Server 0.00231; 1000 Genomes Project 0.00280; 1000 Genomes Project 30x 0.00297.
gnomAD v4.1: 619 of 1,612,996 alleles (0.038%); highest among the groups gnomAD compares: African/African-American, 0.73%; 3 homozygotes.

Submissions (4):

Labcorp Genetics (formerly Invitae), Labcorp
Classification: Benign. Last evaluated: 2025-06-11. Review status: criteria provided, single submitter. Criteria: Invitae Variant Classification Sherloc (09022015). Collection method: clinical testing. Allele origin: germline.

Blueprint Genetics
Classification: Likely benign. Last evaluated: 2024-08-08. Review status: criteria provided, single submitter. Criteria: ACMG Guidelines, 2015. Collection method: clinical testing. Allele origin: germline.

CeGaT Center for Human Genetics Tuebingen
Classification: Likely benign. Last evaluated: 2022-07-01. Review status: criteria provided, single submitter. Criteria: CeGaT Center For Human Genetics Tuebingen Variant Classification Criteria Version 2. Collection method: clinical testing. Allele origin: germline. Affected: yes. Observed: 1 variant allele.
Comment: CASZ1: BP4, BP7

Breakthrough Genomics
Classification: Benign. Review status: criteria provided, single submitter. Criteria: ACMG Guidelines, 2015. Collection method: not provided. Allele origin: germline. Inheritance: Unknown mechanism. Affected: yes.